The following is an entry in ClinVar:

ClinVar aggregate classification (germline): Uncertain significance (1 of 4 stars; one submission).

Submission:

Women's Health and Genetics/Laboratory Corporation of America, LabCorp
Classification: Uncertain significance. Last evaluated: 2025-07-10. Review status: criteria provided, single submitter. Criteria: LabCorp Variant Classification Summary - May 2015. Collection method: clinical testing. Allele origin: germline.
Comment: Variant summary: ADNP c.3076T>G (p.Leu1026Val) results in a conservative amino acid change in the encoded protein sequence. Algorithms developed to predict the effect of missense changes on protein structure and function are either unavailable or do not agree on the potential impact of this missense change. The variant was absent in 251304 control chromosomes. The available data on variant occurrences in the general population are insufficient to allow any conclusion about variant significance. To our knowledge, no occurrence of c.3076T>G in individuals affected with ADNP-Related Multiple Congenital Anomalies-Intellectual Disability-Autism Spectrum Disorder and no experimental evidence demonstrating its impact on protein function have been reported. No submitters have cited clinical-significance assessments for this variant to ClinVar. Based on the evidence outlined above, the variant was classified as uncertain significance.

NM_001282531.3(ADNP):c.3076T>G (p.Leu1026Val)

Gene: ADNP (activity dependent neuroprotector homeobox; minus strand). Cytogenetic location: 20q13.13.
Variant type: single nucleotide variant.
Coding change: c.3076T>G on transcript NM_001282531.3 (MANE Select); coding-DNA position 3076, T replaced by G.
Protein change: p.Leu1026Val; replaces leucine 1026 with valine.
Molecular consequence: missense variant.
Genome position (GRCh38, 1-based): chr20:50,891,638, A>C on the plus strand (T>G on the coding strand, the complement: ADNP is on the minus strand). VCF-style: chr20-50891638-A-C. GRCh37 (hg19) VCF-style: chr20-49508175-A-C.
Other names: c.3076T>G, p.Leu1026Val (NM_001282532.2, NM_001347511.2, NM_015339.5 and 1 more transcripts); c.3292T>G, p.Leu1098Val (NM_001439000.1); c.2392T>G, p.Leu798Val (NM_001439001.1); short protein forms L1026V, L1098V, L798V.
Identifiers: ClinVar variation 4525998 (VCV004525998.1).